The following is an entry in ClinVar:

NM_001367624.2(ZNF469):c.6697G>A (p.Val2233Ile)

Gene: ZNF469 (zinc finger protein 469; plus strand). Cytogenetic location: 16q24.2.
Variant type: single nucleotide variant.
Coding change: c.6697G>A on transcript NM_001367624.2 (MANE Select); coding-DNA position 6697, G replaced by A.
Protein change: p.Val2233Ile; replaces valine 2233 with isoleucine.
Molecular consequence: missense variant.
Genome position (GRCh38, 1-based): chr16:88,434,167, G>A. VCF-style: chr16-88434167-G-A. GRCh37 (hg19) VCF-style: chr16-88500575-G-A.
Other names: NM_001127464.1:c.6613G>A; p.Val2233Ile; short protein forms V2233I.
Identifiers: ClinVar variation 1463241 (VCV001463241.5), dbSNP rs369117913, ClinGen allele CA8225173.
Genomic context (GRCh38, chr16:88,434,167, plus strand): 5'-TGCCTTCTCCAGGGGGAGGGCAGCCCCCTGGAAGACCCTTCCTCCTGGCCTCCTGGCTCC[G>A]TCAGTGCTGTAACCTGCACTCACAGTGGGGACACCCCCAAAGACAGCACTTTAAGAATTC-3'
Protein context (NP_001354553.1, residues 2223-2243): EDPSSWPPGS[Val2233Ile]SAVTCTHSGD

ClinVar aggregate classification (germline): Uncertain significance. Review status: criteria provided, multiple submitters, no conflicts (2 of 4 stars). 3 submissions from 3 submitters: Uncertain significance (3). Last evaluated 2024-07-03.

Allele frequency attached by ClinVar (database versions not stated): gnomAD exomes 0.00003 and 0.00004; gnomAD 0.00004 and 0.00005; TOPMed 0.00005; ESP Exome Variant Server 0.00022.
gnomAD v4.1: 65 of 1,550,198 alleles (0.0042%); highest among the groups gnomAD compares: East Asian, 0.0073%; no homozygotes.

Submissions (3):

Mayo Clinic Laboratories, Mayo Clinic
Classification: Uncertain significance. Last evaluated: 2024-07-03. Review status: criteria provided, single submitter. Criteria: ACMG Guidelines, 2015. Collection method: clinical testing. Allele origin: germline. Observed: 1 variant allele.
Comment: BP4

GeneDx
Classification: Uncertain significance. Last evaluated: 2022-06-20. Review status: criteria provided, single submitter. Criteria: GeneDx Variant Classification Process June 2021. Collection method: clinical testing. Allele origin: germline. Affected: yes.
Comment: Has not been previously published as pathogenic or benign to our knowledge; Not observed at significant frequency in large population cohorts (gnomAD); In silico analysis supports that this missense variant does not alter protein structure/function

Labcorp Genetics (formerly Invitae), Labcorp
Classification: Uncertain significance. Last evaluated: 2022-04-08. Review status: criteria provided, single submitter. Criteria: Invitae Variant Classification Sherloc (09022015). Collection method: clinical testing. Allele origin: germline.
Comment: This sequence change replaces valine, which is neutral and non-polar, with isoleucine, which is neutral and non-polar, at codon 2205 of the ZNF469 protein (p.Val2205Ile). This variant is present in population databases (rs369117913, gnomAD 0.01%). This variant has not been reported in the literature in individuals affected with ZNF469-related conditions. Algorithms developed to predict the effect of missense changes on protein structure and function output the following: SIFT: "Tolerated"; PolyPhen-2: "Benign"; Align-GVGD: "Class C0". The isoleucine amino acid residue is found in multiple mammalian species, which suggests that this missense change does not adversely affect protein function. In summary, the available evidence is currently insufficient to determine the role of this variant in disease. Therefore, it has been classified as a Variant of Uncertain Significance.